The following is an entry in ClinVar:

NM_144997.7(FLCN):c.792G>T (p.Ala264=)

Gene: FLCN (folliculin; minus strand). Cytogenetic location: 17p11.2.
Variant type: single nucleotide variant.
Coding change: c.792G>T on transcript NM_144997.7 (MANE Select); coding-DNA position 792, G replaced by T.
Protein change: p.Ala264=; no amino-acid change (alanine 264 retained).
Molecular consequence: synonymous variant.
Genome position (GRCh38, 1-based): chr17:17,221,616, C>A on the plus strand (G>T on the coding strand, the complement: FLCN is on the minus strand). VCF-style: chr17-17221616-C-A. GRCh37 (hg19) VCF-style: chr17-17124930-C-A.
Other names: c.792G>T (LRG_325t1); c.846G>T, p.Ala282= (NM_001353229.2); c.792G>T, p.Ala264= (NM_001353230.2, NM_001353231.2, NM_144606.7).
Identifiers: ClinVar variation 530011 (VCV000530011.13), dbSNP rs140500421, ClinGen allele CA498163769.

ClinVar aggregate classification (germline): Benign/Likely benign. Review status: criteria provided, multiple submitters, no conflicts (2 of 4 stars). 3 submissions from 3 submitters: Benign (1); Likely benign (2). Last evaluated 2024-10-23.

Conditions:
Birt-Hogg-Dube syndrome 1 (BHD1). Also called: FIBROFOLLICULOMAS WITH TRICHODISCOMAS AND ACROCHORDONS. Identifiers: Orphanet 122, MedGen CN375946, MONDO:0800445, OMIM 135150.
Hereditary cancer-predisposing syndrome. Also called: Neoplastic Syndromes, Hereditary; Hereditary neoplastic syndrome; Tumor predisposition; Hereditary Cancer Syndrome. Identifiers: Orphanet 140162, MedGen C0027672, MeSH D009386, MONDO:0015356.
Birt-Hogg-Dube syndrome. Also called: Birt Hogg Dubé syndrome. Identifiers: Orphanet 122, MedGen C0346010, MONDO:0800444.

gnomAD v4.1: 3 of 1,608,540 alleles (0.00019%); highest among the groups gnomAD compares: Non-Finnish European, 0.000085%; no homozygotes.

Submissions (3):

Myriad Genetics, Inc.
Classification: Benign for Birt-Hogg-Dube syndrome 1. Last evaluated: 2024-10-23. Review status: criteria provided, single submitter. Criteria: Myriad Autosomal Dominant, Autosomal Recessive and X-Linked Classification Criteria (2023). Collection method: clinical testing. Allele origin: unknown.
Comment: This variant is considered benign. This variant is a silent/synonymous amino acid change and it is not expected to impact splicing.

Labcorp Genetics (formerly Invitae), Labcorp
Classification: Likely benign for Birt-Hogg-Dube syndrome. Last evaluated: 2024-10-12. Review status: criteria provided, single submitter. Criteria: Invitae Variant Classification Sherloc (09022015). Collection method: clinical testing. Allele origin: germline.

Ambry Genetics
Classification: Likely benign for Hereditary cancer-predisposing syndrome. Last evaluated: 2018-06-29. Review status: criteria provided, single submitter. Criteria: Ambry Variant Classification Scheme 2023. Collection method: clinical testing. Allele origin: germline.